The following is an entry in ClinVar:

ClinVar aggregate classification (germline): Likely pathogenic (1 of 4 stars; one submission).

Conditions:
Hypertrophic osteoarthropathy, primary, autosomal recessive, 2 (PHOAR2E). Also called: PACHYDERMOPERIOSTOSIS, AUTOSOMAL RECESSIVE; PDP, AUTOSOMAL RECESSIVE; HYPERTROPHIC OSTEOARTHROPATHY, PRIMARY, AUTOSOMAL RECESSIVE, 2/ENTEROPATHY SYNDROME; PHOAR2-enteropathy syndrome. Identifiers: Orphanet 2796, MedGen C3280800, MONDO:0013756, OMIM 614441.

Submission:

3billion
Classification: Likely pathogenic for Hypertrophic osteoarthropathy, primary, autosomal recessive, 2. Last evaluated: 2024-06-22. Review status: criteria provided, single submitter. Criteria: ACMG Guidelines, 2015. Collection method: clinical testing. Allele origin: germline. Affected: yes.
Comment: The variant is observed at an extremely low frequency in the gnomAD v4.0.0 dataset (total allele frequency: <0.001%). Predicted Consequence/Location: Missense variant In silico tool predictions suggest damaging effect of the variant on gene or gene product [REVEL: 0.60 (>=0.6, sensitivity 0.68 and specificity 0.92)]. The same nucleotide change resulting in the same amino acid change has been previously reported to be associated with SLCO2A1 related disorder (PMID: 28425581). Therefore, this variant is classified as Likely pathogenic according to the recommendation of ACMG/AMP guideline.

Literature cited by the submitters: PubMed 28425581.

NM_005630.3(SLCO2A1):c.1069T>C (p.Tyr357His)

Gene: SLCO2A1 (solute carrier organic anion transporter family member 2A1; minus strand). Cytogenetic location: 3q22.1.
Variant type: single nucleotide variant.
Coding change: c.1069T>C on transcript NM_005630.3 (MANE Select); coding-DNA position 1069, T replaced by C.
Protein change: p.Tyr357His; replaces tyrosine 357 with histidine.
Molecular consequence: missense variant.
Genome position (GRCh38, 1-based): chr3:133,948,572, A>G on the plus strand (T>C on the coding strand, the complement: SLCO2A1 is on the minus strand). VCF-style: chr3-133948572-A-G. GRCh37 (hg19) VCF-style: chr3-133667416-A-G.
Other names: short protein forms Y357H.
Identifiers: ClinVar variation 4291943 (VCV004291943.1).